The following is an entry in ClinVar:

ClinVar aggregate classification (germline): Uncertain significance. Review status: criteria provided, multiple submitters, no conflicts (2 of 4 stars). 2 submissions from 2 submitters: Uncertain significance (2). Last evaluated 2026-03-30.

Conditions:
Inborn genetic diseases. Identifiers: MedGen C0950123, MeSH D030342.

Allele frequency attached by ClinVar (database versions not stated): TOPMed below 0.00001; gnomAD 0.00001.
gnomAD v4.1: 1 of 1,613,862 alleles (0.000062%); highest among the groups gnomAD compares: Non-Finnish European, 0.000085%; no homozygotes.

Submissions (2):

Ambry Genetics
Classification: Uncertain significance for Inborn genetic diseases. Last evaluated: 2026-03-30. Review status: criteria provided, single submitter. Criteria: Ambry Variant Classification Scheme 2023. Collection method: clinical testing. Allele origin: germline.

Labcorp Genetics (formerly Invitae), Labcorp
Classification: Uncertain significance. Last evaluated: 2023-08-15. Review status: criteria provided, single submitter. Criteria: Invitae Variant Classification Sherloc (09022015). Collection method: clinical testing. Allele origin: germline.
Comment: This sequence change replaces lysine, which is basic and polar, with asparagine, which is neutral and polar, at codon 193 of the FLNB protein (p.Lys193Asn). This variant is not present in population databases (gnomAD no frequency). This variant has not been reported in the literature in individuals affected with FLNB-related conditions. Advanced modeling of protein sequence and biophysical properties (such as structural, functional, and spatial information, amino acid conservation, physicochemical variation, residue mobility, and thermodynamic stability) performed at Invitae indicates that this missense variant is not expected to disrupt FLNB protein function. In summary, the available evidence is currently insufficient to determine the role of this variant in disease. Therefore, it has been classified as a Variant of Uncertain Significance.

NM_001457.4(FLNB):c.579G>C (p.Lys193Asn)

Gene: FLNB (filamin B; plus strand). Cytogenetic location: 3p14.3.
Variant type: single nucleotide variant.
Coding change: c.579G>C on transcript NM_001457.4 (MANE Select); coding-DNA position 579, G replaced by C.
Protein change: p.Lys193Asn; replaces lysine 193 with asparagine.
Molecular consequence: missense variant.
Genome position (GRCh38, 1-based): chr3:58,078,754, G>C. VCF-style: chr3-58078754-G-C. GRCh37 (hg19) VCF-style: chr3-58064481-G-C.
Other names: c.579G>C (NM_001457.3); c.579G>C, p.Lys193Asn (NM_001164317.2, NM_001164318.2, NM_001164319.2); short protein forms K193N.
Identifiers: ClinVar variation 2693730 (VCV002693730.4), dbSNP rs1382369943, ClinGen allele CA353333840.